The following is an entry in ClinVar:

NM_002768.5(CHMP1A):c.252+937G>A

Gene: CHMP1A (charged multivesicular body protein 1A; minus strand). Cytogenetic location: 16q24.3.
Variant type: single nucleotide variant.
Coding change: c.252+937G>A on transcript NM_002768.5 (MANE Select); 937 bases into the intron after coding-DNA position 252, G replaced by A.
Molecular consequence: intron variant.
Genome position (GRCh38, 1-based): chr16:89,648,414, C>T on the plus strand (G>A on the coding strand, the complement: CHMP1A is on the minus strand). VCF-style: chr16-89648414-C-T. GRCh37 (hg19) VCF-style: chr16-89714822-C-T.
Other names: c.232+937G>A (NM_001083314.4).
Identifiers: ClinVar variation 2647123 (VCV002647123.24), dbSNP rs557671929, ClinGen allele CA286551710.

ClinVar aggregate classification (germline): Likely benign (1 of 4 stars; one submission).

Allele frequency attached by ClinVar (database versions not stated): gnomAD 0.00017; 1000 Genomes Project 0.00439.
gnomAD v4.1: 25 of 147,256 alleles (0.017%); highest among the groups gnomAD compares: Admixed American, 0.021%; 4 homozygotes.

Submission:

CeGaT Center for Human Genetics Tuebingen
Classification: Likely benign. Last evaluated: 2023-02-01. Review status: criteria provided, single submitter. Criteria: CeGaT Center For Human Genetics Tuebingen Variant Classification Criteria Version 2. Collection method: clinical testing. Allele origin: germline. Affected: yes. Observed: 2 variant alleles.
Comment: CHMP1A: BS2